The following is an entry in ClinVar:

NM_006231.4(POLE):c.672C>G (p.Tyr224Ter)

Gene: POLE (DNA polymerase epsilon, catalytic subunit; minus strand). Cytogenetic location: 12q24.33.
Variant type: single nucleotide variant.
Coding change: c.672C>G on transcript NM_006231.4 (MANE Select); coding-DNA position 672, C replaced by G.
Protein change: p.Tyr224Ter; replaces tyrosine 224 with a stop codon.
Molecular consequence: nonsense.
Genome position (GRCh38, 1-based): chr12:132,677,626, G>C on the plus strand (C>G on the coding strand, the complement: POLE is on the minus strand). VCF-style: chr12-132677626-G-C. GRCh37 (hg19) VCF-style: chr12-133254212-G-C.
Other names: short protein forms Y224*.
Identifiers: ClinVar variation 938588 (VCV000938588.10), dbSNP rs376923206, ClinGen allele CA387364875.

ClinVar aggregate classification (germline): Conflicting classifications of pathogenicity. Review status: criteria provided, conflicting classifications (1 of 4 stars). 3 submissions from 3 submitters: Pathogenic (1); Uncertain significance (2). Last evaluated 2025-07-25.

Conditions:
Hereditary cancer-predisposing syndrome. Also called: Tumor predisposition; Hereditary neoplastic syndrome; Hereditary Cancer Syndrome; Neoplastic Syndromes, Hereditary. Identifiers: Orphanet 140162, MedGen C0027672, MeSH D009386, MONDO:0015356.

gnomAD v4.1: 1 of 1,614,034 alleles (0.000062%); highest among the groups gnomAD compares: African/African-American, 0.0013%; no homozygotes.

Submissions (3):

Labcorp Genetics (formerly Invitae), Labcorp
Classification: Pathogenic. Last evaluated: 2025-07-25. Review status: criteria provided, single submitter. Criteria: Invitae Variant Classification Sherloc (09022015). Collection method: clinical testing. Allele origin: germline.
Comment: This sequence change creates a premature translational stop signal (p.Tyr224*) in the POLE gene. It is expected to result in an absent or disrupted protein product. Loss-of-function variants in POLE are known to be pathogenic (PMID: 23230001, 25948378, 30503519). This variant is not present in population databases (gnomAD no frequency). This variant has not been reported in the literature in individuals affected with POLE-related conditions. ClinVar contains an entry for this variant (Variation ID: 938588). For these reasons, this variant has been classified as Pathogenic.

Ambry Genetics
Classification: Uncertain significance for Hereditary cancer-predisposing syndrome. Last evaluated: 2025-04-01. Review status: criteria provided, single submitter. Criteria: Ambry Variant Classification Scheme 2023. Collection method: clinical testing. Allele origin: germline.
Comment: The p.Y224* variant (also known as c.672C>G), located in coding exon 7 of the POLE gene, results from a C to G substitution at nucleotide position 672. This changes the amino acid from a tyrosine to a stop codon within coding exon 7. This alteration is expected to result in loss of function by premature protein truncation or nonsense-mediated mRNA decay. Although biallelic loss of function of POLE has been associated with autosomal recessive POLE deficiency, haploinsufficiency of POLE has not been established as a mechanism of disease for POLE-related polymerase proofreading-associated polyposis (PPAP) and POLE-related CMMRD-like syndrome. Based on the supporting evidence, this variant is expected to be causative of POLE deficiency when present along with a second pathogenic variant on the other allele; however, its clinical significance for PPAP and POLE-related CMMRD-like syndrome is unclear.

GeneDx
Classification: Uncertain significance. Last evaluated: 2019-05-16. Review status: criteria provided, single submitter. Criteria: GeneDx Variant Classification Process June 2021. Collection method: clinical testing. Allele origin: germline. Affected: yes.
Comment: Not observed in large population cohorts (Lek et al., 2016); Has not been previously published as pathogenic or benign to our knowledge

Literature cited by the submitters: PubMed 23230001 (cited by Labcorp Genetics (formerly Invitae), Labcorp); PubMed 25948378 (cited by Labcorp Genetics (formerly Invitae), Labcorp); PubMed 30503519 (cited by Labcorp Genetics (formerly Invitae), Labcorp).